The following is an entry in ClinVar:

ClinVar aggregate classification (germline): Pathogenic (1 of 4 stars; one submission).

Conditions:
Epidermolysis bullosa simplex 3, localized or generalized intermediate, with BP230 deficiency (EBS3). Also called: Epidermolysis bullosa simplex, autosomal recessive 2; Epidermolysis bullosa simplex due to BP230 deficiency. Identifiers: Orphanet 412181, MedGen C3809470, MONDO:0014180, OMIM 615425.
Hereditary sensory and autonomic neuropathy type 6. Also called: Neuropathy, hereditary sensory and autonomic, type VI; HSAN VI. Identifiers: Orphanet 314381, MedGen C3539003, MONDO:0013839, OMIM 614653.

Submission:

Labcorp Genetics (formerly Invitae), Labcorp
Classification: Pathogenic for Epidermolysis bullosa simplex 3, localized or generalized intermediate, with BP230 deficiency; Hereditary sensory and autonomic neuropathy type 6. Last evaluated: 2019-01-12. Review status: criteria provided, single submitter. Criteria: Invitae Variant Classification Sherloc (09022015). Collection method: clinical testing. Allele origin: germline.
Comment: For these reasons, this variant has been classified as Pathogenic. Loss-of-function variants in DST are known to be pathogenic (PMID: 25059916). This variant has not been reported in the literature in individuals with DST-related conditions. This variant is not present in population databases (ExAC no frequency). This sequence change creates a premature translational stop signal (p.Gln3128*) in the DST gene. It is expected to result in an absent or disrupted protein product. The DST gene has multiple clinically relevant transcripts. The p.Gln3128* variant occurs in alternate transcript NM_015548.4, which corresponds to c.*85526C>T in NM_001723.5, the primary transcript listed in the Methods.

Literature cited by the submitters: PubMed 25059916.

NM_001374736.1(DST):c.17251C>T (p.Gln5751Ter)

Gene: DST (dystonin; minus strand). Cytogenetic location: 6p12.1.
Variant type: single nucleotide variant.
Coding change: c.17251C>T on transcript NM_001374736.1 (MANE Select); coding-DNA position 17251, C replaced by T.
Protein change: p.Gln5751Ter; replaces glutamine 5751 with a stop codon.
Molecular consequence: nonsense.
Genome position (GRCh38, 1-based): chr6:56,529,991, G>A on the plus strand (C>T on the coding strand, the complement: DST is on the minus strand). VCF-style: chr6-56529991-G-A. GRCh37 (hg19) VCF-style: chr6-56394789-G-A.
Other names: c.10894C>T, p.Gln3632Ter (NM_001144769.5); c.10480C>T, p.Gln3494Ter (NM_001144770.2); c.17251C>T, p.Gln5751Ter (NM_001374722.1); c.16618C>T, p.Gln5540Ter (NM_001374729.1); c.10360C>T, p.Gln3454Ter (NM_001374730.1, NM_183380.4); c.17278C>T, p.Gln5760Ter (NM_001374734.1); c.9382C>T, p.Gln3128Ter (NM_015548.5); short protein forms Q3494*, Q3632*, Q5540*, Q3454*, Q3128*, Q5751*, Q5760*.
Identifiers: ClinVar variation 972041 (VCV000972041.8), dbSNP rs2096867388, ClinGen allele CA364509172.
Genomic context (GRCh38, chr6:56,529,991, plus strand): 5'-ACAATAAAAACTGAACCTCGCTAATGTGTGATTTATATCTTACTTTGTGCTGTGCAATTT[G>A]TTCCTCAAGTTTAGATGCTTGGGTTCCTATGGGTTCACAATTCACCAGCCTCTTTTCTAT-3'